The following is an entry in ClinVar:

NM_018163.3(DNAJC17):c.350A>C (p.Glu117Ala)

Gene: DNAJC17 (DnaJ heat shock protein family (Hsp40) member C17; minus strand). Cytogenetic location: 15q15.1.
Variant type: single nucleotide variant.
Coding change: c.350A>C on transcript NM_018163.3 (MANE Select); coding-DNA position 350, A replaced by C.
Protein change: p.Glu117Ala; replaces glutamic acid 117 with alanine.
Molecular consequence: missense variant.
Genome position (GRCh38, 1-based): chr15:40,776,573, T>G on the plus strand (A>C on the coding strand, the complement: DNAJC17 is on the minus strand). VCF-style: chr15-40776573-T-G. GRCh37 (hg19) VCF-style: chr15-41068771-T-G.
Other names: c.350A>C (NM_018163.2); short protein forms E117A.
Identifiers: ClinVar variation 1588214 (VCV001588214.11), dbSNP rs79709714, ClinGen allele CA7485204.

ClinVar aggregate classification (germline): Benign. Review status: criteria provided, multiple submitters, no conflicts (2 of 4 stars). 3 submissions from 3 submitters: Benign (2). 1 of the submissions does not count toward it. Last evaluated 2026-02-04.

Conditions:
DNAJC17-related disorder. Also called: DNAJC17-related condition.

Allele frequency attached by ClinVar (database versions not stated): 1000 Genomes Project 0.00839; 1000 Genomes Project 30x 0.00890; TOPMed 0.01657; gnomAD 0.01885 and 0.01939; gnomAD exomes 0.01917 and 0.02797; ESP Exome Variant Server 0.02038.
gnomAD v4.1: 43,510 of 1,614,004 alleles (2.7%); highest among the groups gnomAD compares: Non-Finnish European, 3.2%; 697 homozygotes.

Submissions (3):

Labcorp Genetics (formerly Invitae), Labcorp
Classification: Benign. Last evaluated: 2026-02-04. Review status: criteria provided, single submitter. Criteria: Invitae Variant Classification Sherloc (09022015). Collection method: clinical testing. Allele origin: germline.

Breakthrough Genomics
Classification: Benign. Review status: criteria provided, single submitter. Criteria: ACMG Guidelines, 2015. Collection method: not provided. Allele origin: germline. Inheritance: Unknown mechanism. Affected: yes.

PreventionGenetics, part of Exact Sciences
Classification: Benign for DNAJC17-related condition. Last evaluated: 2019-05-14. Review status: no assertion criteria provided. Collection method: clinical testing. Allele origin: germline. Not counted in ClinVar's aggregate classification.
Comment: This variant is classified as benign based on ACMG/AMP sequence variant interpretation guidelines (Richards et al. 2015 PMID: 25741868, with internal and published modifications).